The following is an entry in ClinVar:

NM_001231.5(CASQ1):c.22G>A (p.Gly8Arg)

Gene: CASQ1 (calsequestrin 1; plus strand). Cytogenetic location: 1q23.2.
Variant type: single nucleotide variant.
Coding change: c.22G>A on transcript NM_001231.5 (MANE Select); coding-DNA position 22, G replaced by A.
Protein change: p.Gly8Arg; replaces glycine 8 with arginine.
Molecular consequence: missense variant.
Genome position (GRCh38, 1-based): chr1:160,190,773, G>A. VCF-style: chr1-160190773-G-A. GRCh37 (hg19) VCF-style: chr1-160160563-G-A.
Other names: short protein forms G8R.
Identifiers: ClinVar variation 2880745 (VCV002880745.3), dbSNP rs1392904388, ClinGen allele CA343248832.

ClinVar aggregate classification (germline): Uncertain significance (1 of 4 stars; one submission).

Allele frequency attached by ClinVar (database versions not stated): gnomAD 0.00001.
gnomAD v4.1: 1 of 1,613,944 alleles (0.000062%); highest among the groups gnomAD compares: Non-Finnish European, 0.000085%; no homozygotes.

Submission:

Labcorp Genetics (formerly Invitae), Labcorp
Classification: Uncertain significance. Last evaluated: 2023-08-17. Review status: criteria provided, single submitter. Criteria: Invitae Variant Classification Sherloc (09022015). Collection method: clinical testing. Allele origin: germline.
Comment: This sequence change replaces glycine, which is neutral and non-polar, with arginine, which is basic and polar, at codon 8 of the CASQ1 protein (p.Gly8Arg). This variant is not present in population databases (gnomAD no frequency). This variant has not been reported in the literature in individuals affected with CASQ1-related conditions. An algorithm developed to predict the effect of missense changes on protein structure and function (PolyPhen-2) suggests that this variant is likely to be disruptive. In summary, the available evidence is currently insufficient to determine the role of this variant in disease. Therefore, it has been classified as a Variant of Uncertain Significance.